The following is an entry in ClinVar:

NM_005045.4(RELN):c.1969C>G (p.Pro657Ala)

Gene: RELN (reelin; minus strand). Cytogenetic location: 7q22.1.
Variant type: single nucleotide variant.
Coding change: c.1969C>G on transcript NM_005045.4 (MANE Select); coding-DNA position 1969, C replaced by G.
Protein change: p.Pro657Ala; replaces proline 657 with alanine.
Molecular consequence: missense variant.
Genome position (GRCh38, 1-based): chr7:103,650,307, G>C on the plus strand (C>G on the coding strand, the complement: RELN is on the minus strand). VCF-style: chr7-103650307-G-C. GRCh37 (hg19) VCF-style: chr7-103290754-G-C.
Other names: c.1969C>G, p.Pro657Ala (NM_173054.3); short protein forms P657A.
Identifiers: ClinVar variation 2940903 (VCV002940903.3), dbSNP rs2484833631, ClinGen allele CA368764037.

ClinVar aggregate classification (germline): Uncertain significance (1 of 4 stars; one submission).

Conditions:
Norman-Roberts syndrome (LIS2). Also called: Lissencephaly 2 (Norman-Roberts type). Identifiers: Orphanet 89844, MedGen C0796089, MONDO:0009760, OMIM 257320.
Familial temporal lobe epilepsy 7. Identifiers: Orphanet 101046, MedGen C4225327, MONDO:0014639, OMIM 616436.

Submission:

Labcorp Genetics (formerly Invitae), Labcorp
Classification: Uncertain significance for Familial temporal lobe epilepsy 7; Norman-Roberts syndrome. Last evaluated: 2022-12-13. Review status: criteria provided, single submitter. Criteria: Invitae Variant Classification Sherloc (09022015). Collection method: clinical testing. Allele origin: germline.
Comment: Advanced modeling of protein sequence and biophysical properties (such as structural, functional, and spatial information, amino acid conservation, physicochemical variation, residue mobility, and thermodynamic stability) performed at Invitae indicates that this missense variant is not expected to disrupt RELN protein function. This sequence change replaces proline, which is neutral and non-polar, with alanine, which is neutral and non-polar, at codon 657 of the RELN protein (p.Pro657Ala). This variant is not present in population databases (gnomAD no frequency). This variant has not been reported in the literature in individuals affected with RELN-related conditions. In summary, the available evidence is currently insufficient to determine the role of this variant in disease. Therefore, it has been classified as a Variant of Uncertain Significance.